The following is an entry in ClinVar:

ClinVar aggregate classification (germline): Likely pathogenic. Review status: criteria provided, multiple submitters, no conflicts (2 of 4 stars). 3 submissions from 3 submitters: Likely pathogenic (3). Last evaluated 2025-05-21.

Conditions:
Cockayne syndrome. Identifiers: Orphanet 191, MedGen C0009207, MONDO:0016006.
Cockayne syndrome type 2 (CSB). Also called: Cockayne Syndrome, Type II; COCKAYNE SYNDROME B. Identifiers: Orphanet 191, Orphanet 90322, MedGen C0751038, MONDO:0019570, OMIM 133540.

Submissions (3):

Women's Health and Genetics/Laboratory Corporation of America, LabCorp
Classification: Likely pathogenic for Cockayne syndrome. Last evaluated: 2025-05-21. Review status: criteria provided, single submitter. Criteria: LabCorp Variant Classification Summary - May 2015. Collection method: clinical testing. Allele origin: germline.
Comment: Variant summary: ERCC6 c.2800C>A (p.Pro934Thr) results in a non-conservative amino acid change in the encoded protein sequence. Algorithms developed to predict the effect of missense changes on protein structure and function all suggest that this variant is likely to be disruptive. The variant was absent in 251210 control chromosomes. c.2800C>A has been observed in individual(s) affected with Cockayne Syndrome and related conditions (Wilson_2016, Martin-Saavedra_2021). These data indicate that the variant is likely to be associated with disease. To our knowledge, no experimental evidence demonstrating an impact on protein function has been reported. The following publications have been ascertained in the context of this evaluation (PMID: 34052969, 26749132). ClinVar contains an entry for this variant (Variation ID: 496904). Based on the evidence outlined above, the variant was classified as likely pathogenic.

Eurofins Ntd Llc (ga)
Classification: Likely pathogenic. Last evaluated: 2016-10-27. Review status: criteria provided, single submitter. Criteria: EGL Classification Definitions 2015. Collection method: clinical testing. Allele origin: germline. Observed: 1 variant allele, 1 heterozygote.

3billion
Classification: Likely pathogenic for Cockayne syndrome type 2. Review status: criteria provided, single submitter. Criteria: ACMG Guidelines, 2015. Collection method: clinical testing. Allele origin: unknown. Affected: yes. Observed: 1 homozygote.
Comment: The variant is not observed in the gnomAD v2.1.1 dataset. In silico tool predictions suggest damaging effect of the variant on gene or gene product (REVEL: 0.75). Same nucleotide change resulting in same amino acid change has been previously reported to be associated with ERCC6 related disorder (ClinVar ID: VCV000496904 / PMID: 26749132). Therefore, this variant is classified as Likely pathogenic according to the recommendation of ACMG/AMP guideline.

Literature cited by the submitters: PubMed 34052969 (cited by Women's Health and Genetics/Laboratory Corporation of America, LabCorp and 3billion); PubMed 26749132 (cited by 3 submitters).

NM_000124.4(ERCC6):c.2800C>A (p.Pro934Thr)

Genes: ERCC6 (ERCC excision repair 6, chromatin remodeling factor; minus strand), LOC126860933 (BRD4-independent group 4 enhancer GRCh37_chr10:50679962-50681161; plus strand). Cytogenetic location: 10q11.23.
Variant type: single nucleotide variant.
Coding change: c.2800C>A on transcript NM_000124.4 (MANE Select); coding-DNA position 2800, C replaced by A.
Protein change: p.Pro934Thr; replaces proline 934 with threonine.
Molecular consequence: missense variant.
Genome position (GRCh38, 1-based): chr10:49,472,938, G>T on the plus strand (C>A on the coding strand, the complement: ERCC6 is on the minus strand). VCF-style: chr10-49472938-G-T. GRCh37 (hg19) VCF-style: chr10-50680984-G-T.
Other names: c.2800C>A, p.Pro934Thr (NM_001346440.2); short protein forms P934T.
Identifiers: ClinVar variation 496904 (VCV000496904.7), dbSNP rs1554875536, ClinGen allele CA376719102.